The following is an entry in ClinVar:

ClinVar aggregate classification (germline): Uncertain significance (1 of 4 stars; one submission).

Conditions:
Acute myeloid leukemia (AML). Also called: Acute myeloid leukemia, adult; AML adult; Acute non-lymphocytic leukemia; Acute granulocytic leukemia; Leukemia, acute myeloid, somatic; Leukemia, acute myelogenous, somatic. Identifiers: Orphanet 519, MedGen C0023467, MeSH D015470, MONDO:0018874, OMIM 601626, HP:0004808. Disease mechanism: Constitutively activated FLT3.

Submission:

Labcorp Genetics (formerly Invitae), Labcorp
Classification: Uncertain significance for Acute myeloid leukemia. Last evaluated: 2018-12-06. Review status: criteria provided, single submitter. Criteria: Invitae Variant Classification Sherloc (09022015). Collection method: clinical testing. Allele origin: germline.
Comment: In summary, the available evidence is currently insufficient to determine the role of this variant in disease. Therefore, it has been classified as a Variant of Uncertain Significance. Algorithms developed to predict the effect of missense changes on protein structure and function (SIFT, PolyPhen-2, Align-GVGD) all suggest that this variant is likely to be tolerated, but these predictions have not been confirmed by published functional studies and their clinical significance is uncertain. The frequency data for this variant in the population databases is considered unreliable, as metrics indicate insufficient coverage at this position in the ExAC database. This variant has not been reported in the literature in individuals with CEBPA-related conditions. This sequence change replaces arginine with leucine at codon 86 of the CEBPA protein (p.Arg86Leu). The arginine residue is weakly conserved and there is a moderate physicochemical difference between arginine and leucine.

NM_004364.5(CEBPA):c.257G>T (p.Arg86Leu)

Gene: CEBPA (CCAAT enhancer binding protein alpha; minus strand). Cytogenetic location: 19q13.11.
Variant type: single nucleotide variant.
Coding change: c.257G>T on transcript NM_004364.5 (MANE Select); coding-DNA position 257, G replaced by T.
Protein change: p.Arg86Leu; replaces arginine 86 with leucine.
Molecular consequence: missense variant. On other transcripts: 5 prime UTR variant (1).
Genome position (GRCh38, 1-based): chr19:33,302,158, C>A on the plus strand (G>T on the coding strand, the complement: CEBPA is on the minus strand). VCF-style: chr19-33302158-C-A. GRCh37 (hg19) VCF-style: chr19-33793064-C-A.
Other names: c.-101G>T (NM_001285829.2); c.362G>T, p.Arg121Leu (NM_001287424.2); c.215G>T, p.Arg72Leu (NM_001287435.2); short protein forms R86L, R121L, R72L.
Identifiers: ClinVar variation 650589 (VCV000650589.9), dbSNP rs1424468512, ClinGen allele CA405275332.